The following is an entry in ClinVar:

NM_058179.4(PSAT1):c.452A>G (p.Tyr151Cys)

Gene: PSAT1 (phosphoserine aminotransferase 1; plus strand). Cytogenetic location: 9q21.2.
Variant type: single nucleotide variant.
Coding change: c.452A>G on transcript NM_058179.4 (MANE Select); coding-DNA position 452, A replaced by G.
Protein change: p.Tyr151Cys; replaces tyrosine 151 with cysteine.
Molecular consequence: missense variant.
Genome position (GRCh38, 1-based): chr9:78,306,368, A>G. VCF-style: chr9-78306368-A-G. GRCh37 (hg19) VCF-style: chr9-80921284-A-G.
Other names: c.452A>G, p.Tyr151Cys (NM_021154.5); short protein forms Y151C.
Identifiers: ClinVar variation 976887 (VCV000976887.9), dbSNP rs1329274216, ClinGen allele CA373873083.

ClinVar aggregate classification (germline): Uncertain significance. Review status: criteria provided, single submitter (1 of 4 stars). 2 submissions from 2 submitters: Uncertain significance (1). 1 of the submissions does not count toward it. Last evaluated 2025-04-21.

Conditions:
Neu-Laxova syndrome 2. Identifiers: Orphanet 2671, Orphanet 583602, MedGen C4015019, MONDO:0014466, OMIM 616038.

Allele frequency attached by ClinVar (database versions not stated): gnomAD exomes below 0.00001.
gnomAD v4.1: 1 of 1,613,316 alleles (0.000062%); highest among the groups gnomAD compares: Non-Finnish European, 0.000085%; no homozygotes.

Submissions (2):

Labcorp Genetics (formerly Invitae), Labcorp
Classification: Uncertain significance for Neu-Laxova syndrome 2. Last evaluated: 2025-04-21. Review status: criteria provided, single submitter. Criteria: Invitae Variant Classification Sherloc (09022015). Collection method: clinical testing. Allele origin: germline.
Comment: This sequence change replaces tyrosine, which is neutral and polar, with cysteine, which is neutral and slightly polar, at codon 151 of the PSAT1 protein (p.Tyr151Cys). This variant is present in population databases (no rsID available, gnomAD 0.0009%). This variant has not been reported in the literature in individuals affected with PSAT1-related conditions. ClinVar contains an entry for this variant (Variation ID: 976887). Invitae Evidence Modeling of protein sequence and biophysical properties (such as structural, functional, and spatial information, amino acid conservation, physicochemical variation, residue mobility, and thermodynamic stability) has been performed for this missense variant. However, the output from this modeling did not meet the statistical confidence thresholds required to predict the impact of this variant on PSAT1 protein function. Experimental studies have shown that this missense change does not substantially affect PSAT1 function (PMID: 32077105). In summary, the available evidence is currently insufficient to determine the role of this variant in disease. Therefore, it has been classified as a Variant of Uncertain Significance.

Dudley Research Group, Pacific Northwest Research Institute
No classification provided. Review status: no classification provided. Collection method: research, in vivo. Allele origin: unknown, not applicable. Functional consequence: function_uncertain_variant. Not counted in ClinVar's aggregate classification.

Literature cited by the submitters: PubMed 32077105 (cited by Labcorp Genetics (formerly Invitae), Labcorp).